The following is an entry in ClinVar:

ClinVar aggregate classification (germline): Uncertain significance. Review status: criteria provided, multiple submitters, no conflicts (2 of 4 stars). 2 submissions from 2 submitters: Uncertain significance (2). Last evaluated 2025-05-14.

Conditions:
Diaphanospondylodysostosis. Also called: VERTEBRAL OSSIFICATION, DEFECT IN, WITH NEPHROGENIC RESTS. Identifiers: Orphanet 66637, MedGen C1842691, MONDO:0011946, OMIM 608022.

Allele frequency attached by ClinVar (database versions not stated): ESP Exome Variant Server 0.00008; gnomAD 0.00008 and 0.00011; TOPMed 0.00008; gnomAD exomes 0.00009 and 0.00012; ExAC 0.00013; 1000 Genomes Project 30x 0.00016; 1000 Genomes Project 0.00020.
gnomAD v4.1: 148 of 1,614,112 alleles (0.0092%); highest among the groups gnomAD compares: Middle Eastern, 0.099%; 1 homozygote.

Submissions (2):

Labcorp Genetics (formerly Invitae), Labcorp
Classification: Uncertain significance. Last evaluated: 2025-05-14. Review status: criteria provided, single submitter. Criteria: Invitae Variant Classification Sherloc (09022015). Collection method: clinical testing. Allele origin: germline.
Comment: This sequence change replaces alanine, which is neutral and non-polar, with valine, which is neutral and non-polar, at codon 486 of the BMPER protein (p.Ala486Val). This variant is present in population databases (rs368522901, gnomAD 0.06%). This variant has not been reported in the literature in individuals affected with BMPER-related conditions. ClinVar contains an entry for this variant (Variation ID: 911319). Invitae Evidence Modeling of protein sequence and biophysical properties (such as structural, functional, and spatial information, amino acid conservation, physicochemical variation, residue mobility, and thermodynamic stability) has been performed for this missense variant. However, the output from this modeling did not meet the statistical confidence thresholds required to predict the impact of this variant on BMPER protein function. In summary, the available evidence is currently insufficient to determine the role of this variant in disease. Therefore, it has been classified as a Variant of Uncertain Significance.

Illumina Laboratory Services, Illumina
Classification: Uncertain significance for Diaphanospondylodysostosis. Last evaluated: 2018-01-12. Review status: criteria provided, single submitter. Criteria: ICSL Variant Classification Criteria 13 December 2019. Collection method: clinical testing. Allele origin: germline.

NM_001365308.1(BMPER):c.1457C>T (p.Ala486Val)

Gene: BMPER (BMP binding endothelial regulator; plus strand). Cytogenetic location: 7p14.3.
Variant type: single nucleotide variant.
Coding change: c.1457C>T on transcript NM_001365308.1 (MANE Select); coding-DNA position 1457, C replaced by T.
Protein change: p.Ala486Val; replaces alanine 486 with valine.
Molecular consequence: missense variant.
Genome position (GRCh38, 1-based): chr7:34,085,804, C>T. VCF-style: chr7-34085804-C-T. GRCh37 (hg19) VCF-style: chr7-34125416-C-T.
Other names: c.1457C>T, p.Ala486Val (NM_133468.5); short protein forms A486V.
Identifiers: ClinVar variation 911319 (VCV000911319.6), dbSNP rs368522901, ClinGen allele CA4215415.